The following is an entry in ClinVar:

NM_001556.3(IKBKB):c.2090G>C (p.Ser697Thr)

Gene: IKBKB (inhibitor of nuclear factor kappa B kinase subunit beta; plus strand). Cytogenetic location: 8p11.21.
Variant type: single nucleotide variant.
Coding change: c.2090G>C on transcript NM_001556.3 (MANE Select); coding-DNA position 2090, G replaced by C.
Protein change: p.Ser697Thr; replaces serine 697 with threonine.
Molecular consequence: missense variant. On other transcripts: non-coding transcript variant (3).
Genome position (GRCh38, 1-based): chr8:42,326,073, G>C. VCF-style: chr8-42326073-G-C. GRCh37 (hg19) VCF-style: chr8-42183591-G-C.
Other names: c.1898G>C, p.Ser633Thr (NM_001190720.3); c.1913G>C, p.Ser638Thr (NM_001242778.2); short protein forms S633T, S638T, S697T.
Identifiers: ClinVar variation 4709427 (VCV004709427.1).

ClinVar aggregate classification (germline): Uncertain significance (1 of 4 stars; one submission).

Conditions:
Severe combined immunodeficiency due to IKK2 deficiency. Also called: Immunodeficiency 15; IMMUNODEFICIENCY 15B. Identifiers: Orphanet 397787, MedGen C4747743, MONDO:0014267, OMIM 615592.

gnomAD v4.1: 1 of 1,614,088 alleles (0.000062%); highest among the groups gnomAD compares: Admixed American, 0.0017%; no homozygotes.

Submission:

Labcorp Genetics (formerly Invitae), Labcorp
Classification: Uncertain significance for Severe combined immunodeficiency due to IKK2 deficiency. Last evaluated: 2025-02-15. Review status: criteria provided, single submitter. Criteria: Invitae Variant Classification Sherloc (09022015). Collection method: clinical testing. Allele origin: germline.
Comment: This sequence change replaces serine, which is neutral and polar, with threonine, which is neutral and polar, at codon 697 of the IKBKB protein (p.Ser697Thr). This variant is not present in population databases (gnomAD no frequency). This variant has not been reported in the literature in individuals affected with IKBKB-related conditions. Invitae Evidence Modeling of protein sequence and biophysical properties (such as structural, functional, and spatial information, amino acid conservation, physicochemical variation, residue mobility, and thermodynamic stability) indicates that this missense variant is not expected to disrupt IKBKB protein function with a negative predictive value of 95%. In summary, the available evidence is currently insufficient to determine the role of this variant in disease. Therefore, it has been classified as a Variant of Uncertain Significance.